The following is an entry in ClinVar:

ClinVar aggregate classification (germline): Uncertain significance. Review status: criteria provided, multiple submitters, no conflicts (2 of 4 stars). 4 submissions from 4 submitters: Uncertain significance (4). Last evaluated 2021-12-15.

Conditions:
Congenital heart defects, multiple types, 6 (CHTD6). Identifiers: Orphanet 860, MedGen C3151221, MONDO:0013463, OMIM 613854.
Right atrial isomerism (RAI). Also called: IVEMARK SYNDROME. Identifiers: Orphanet 97548, MedGen C3178806, MONDO:0008832, OMIM 208530, HP:0011536.

Allele frequency attached by ClinVar (database versions not stated): gnomAD exomes below 0.00001; TOPMed 0.00001; gnomAD 0.00001.
gnomAD v4.1: 6 of 1,090,704 alleles (0.00055%); highest among the groups gnomAD compares: Middle Eastern, 0.083%; no homozygotes.

Submissions (4):

Revvity Omics, Revvity
Classification: Uncertain significance. Last evaluated: 2021-12-15. Review status: criteria provided, single submitter. Criteria: ACMG Guidelines, 2015. Collection method: clinical testing. Allele origin: germline.

Fulgent Genetics
Classification: Uncertain significance for Right atrial isomerism; Congenital heart defects, multiple types, 6. Last evaluated: 2021-09-20. Review status: criteria provided, single submitter. Criteria: ACMG Guidelines, 2015. Collection method: clinical testing. Allele origin: unknown.

Labcorp Genetics (formerly Invitae), Labcorp
Classification: Uncertain significance. Last evaluated: 2021-02-23. Review status: criteria provided, single submitter. Criteria: Invitae Variant Classification Sherloc (09022015). Collection method: clinical testing. Allele origin: germline.
Comment: This sequence change replaces leucine with proline at codon 199 of the GDF1 protein (p.Leu199Pro). The leucine residue is moderately conserved and there is a moderate physicochemical difference between leucine and proline. The frequency data for this variant in the population databases is considered unreliable, as metrics indicate insufficient coverage at this position in the ExAC database. This variant has not been reported in the literature in individuals with GDF1-related conditions. Algorithms developed to predict the effect of missense changes on protein structure and function (SIFT, PolyPhen-2, Align-GVGD) all suggest that this variant is likely to be tolerated, but these predictions have not been confirmed by published functional studies and their clinical significance is uncertain. In summary, the available evidence is currently insufficient to determine the role of this variant in disease. Therefore, it has been classified as a Variant of Uncertain Significance.

Breakthrough Genomics
Classification: Uncertain significance. Review status: criteria provided, single submitter. Criteria: ACMG Guidelines, 2015. Collection method: not provided. Allele origin: germline. Inheritance: Autosomal dominant inheritance. Affected: yes.

NM_001492.6(GDF1):c.596T>C (p.Leu199Pro)

Genes: CERS1 (ceramide synthase 1; minus strand), GDF1 (growth differentiation factor 1; minus strand). Cytogenetic location: 19p13.11.
Variant type: single nucleotide variant.
Coding change: c.596T>C on transcript NM_001492.6 (MANE Select); coding-DNA position 596, T replaced by C.
Protein change: p.Leu199Pro; replaces leucine 199 with proline.
Molecular consequence: missense variant. On other transcripts: 3 prime UTR variant (2).
Genome position (GRCh38, 1-based): chr19:18,869,120, A>G on the plus strand (T>C on the coding strand, the complement: GDF1 is on the minus strand). VCF-style: chr19-18869120-A-G. GRCh37 (hg19) VCF-style: chr19-18979929-A-G.
Other names: c.*1457T>C (NM_001387440.1); c.*865T>C (NM_021267.5); c.596T>C, p.Leu199Pro (NM_001387438.1); short protein forms L199P.
Identifiers: ClinVar variation 1348662 (VCV001348662.13), dbSNP rs868026629, ClinGen allele CA306231742.